The following is an entry in ClinVar:

NM_004656.4(BAP1):c.850G>T (p.Glu284Ter)

Gene: BAP1 (BRCA1 associated deubiquitinase 1; minus strand). Cytogenetic location: 3p21.1.
Variant type: single nucleotide variant.
Coding change: c.850G>T on transcript NM_004656.4 (MANE Select); coding-DNA position 850, G replaced by T.
Protein change: p.Glu284Ter; replaces glutamic acid 284 with a stop codon.
Molecular consequence: nonsense.
Genome position (GRCh38, 1-based): chr3:52,405,846, C>A on the plus strand (G>T on the coding strand, the complement: BAP1 is on the minus strand). VCF-style: chr3-52405846-C-A. GRCh37 (hg19) VCF-style: chr3-52439862-C-A.
Other names: c.796G>T, p.Glu266Ter (NM_001410772.1); short protein forms E284*, E266*.
Identifiers: ClinVar variation 3258053 (VCV003258053.5).

ClinVar aggregate classification (germline): Likely pathogenic (1 of 4 stars; one submission).
ClinVar aggregate classification (oncogenicity): Likely oncogenic (1 of 4 stars; one submission).

Conditions:
BAP1-related tumor predisposition syndrome (TPDS1). Also called: COMMON Syndrome; TUMOR PREDISPOSITION SYNDROME 1; BAP1 tumor predisposition syndrome; Tumor susceptibility linked to germline BAP1 mutations. Identifiers: Orphanet 289539, MedGen C3280492, MONDO:0013692, OMIM 614327.
Melanoma, uveal, susceptibility to, 2 (UVM2). Also called: Melanoma, uveal 2. Identifiers: Orphanet 39044, MedGen C1847723, MONDO:0011696, OMIM 606661.
Kury-Isidor syndrome (KURIS). Identifiers: MedGen C5676925, MONDO:0859230, OMIM 619762.
Neoplasm. Also called: tumor; Neoplasms; Neoplasm (disease). Identifiers: MedGen C0027651, MeSH D009369, MONDO:0005070, HP:0002664.

Submissions (2):

Center for Genomic Medicine, Rigshospitalet, Copenhagen University Hospital
Classification: Likely oncogenic for Neoplasm. Last evaluated: 2025-03-04. Review status: criteria provided, single submitter. Criteria: ClinGen/CGC/VICC Guidelines for Oncogenicity, 2022. Collection method: clinical testing. Allele origin: somatic. Affected: yes.

Juno Genomics, Hangzhou Juno Genomics, Inc
Classification: Likely pathogenic for Melanoma, uveal, susceptibility to, 2; Kury-Isidor syndrome; BAP1-related tumor predisposition syndrome. Review status: criteria provided, single submitter. Criteria: ACMG Guidelines, 2015. Collection method: clinical testing. Allele origin: germline.
Comment: Absent from controls (or at extremely low frequency if recessive) in Genome Aggregation Database.;Null variant in a gene where loss of function (LOF) is a known mechanism of disease.

Literature cited by the submitters: PubMed 33240524 (cited by Center for Genomic Medicine, Rigshospitalet, Copenhagen University Hospital).